The following is an entry in ClinVar:

NM_001256071.3(RNF213):c.7179T>C (p.Tyr2393=)

Gene: RNF213 (ring finger protein 213; plus strand). Cytogenetic location: 17q25.3.
Variant type: single nucleotide variant.
Coding change: c.7179T>C on transcript NM_001256071.3 (MANE Select); coding-DNA position 7179, T replaced by C.
Protein change: p.Tyr2393=; no amino-acid change (tyrosine 2393 retained).
Molecular consequence: synonymous variant.
Genome position (GRCh38, 1-based): chr17:80,345,514, T>C. VCF-style: chr17-80345514-T-C. GRCh37 (hg19) VCF-style: chr17-78319314-T-C.
Other names: c.7326T>C, p.Tyr2442= (NM_001410195.1, NM_020914.5); c.7179T>C (NM_001256071.2).
Identifiers: ClinVar variation 2044968 (VCV002044968.7), dbSNP rs759726740, ClinGen allele CA8820688.
Genomic context (GRCh38, chr17:80,345,514, plus strand): 5'-ACTTGAGAGGCTCTGCCTGACCTTAGGGATCCCCCAGGCCACCGACCCCGACAAAACGTA[T>C]GAGCTCACAACCGACAATATGCTTAAAATCCTTGCCATCGAGATGCGGTTCCGGTGTGGG-3'
Protein context (NP_001243000.2, residues 2383-2403): IPQATDPDKT[Tyr2393=]ELTTDNMLKI

ClinVar aggregate classification (germline): Likely benign. Review status: criteria provided, multiple submitters, no conflicts (2 of 4 stars). 3 submissions from 3 submitters: Likely benign (2). 1 of the submissions does not count toward it. Last evaluated 2025-10-08.

Conditions:
RNF213-related disorder. Also called: RNF213-related condition.

Allele frequency attached by ClinVar (database versions not stated): gnomAD 0.00009; TOPMed 0.00013; gnomAD exomes 0.00014; ExAC 0.00016.

Submissions (3):

Labcorp Genetics (formerly Invitae), Labcorp
Classification: Likely benign. Last evaluated: 2025-10-08. Review status: criteria provided, single submitter. Criteria: Invitae Variant Classification Sherloc (09022015). Collection method: clinical testing. Allele origin: germline.

Blueprint Genetics
Classification: Likely benign. Last evaluated: 2024-11-27. Review status: criteria provided, single submitter. Criteria: ACMG Guidelines, 2015. Collection method: clinical testing. Allele origin: germline.

PreventionGenetics, part of Exact Sciences
Classification: Likely benign for RNF213-related condition. Last evaluated: 2019-12-05. Review status: no assertion criteria provided. Collection method: clinical testing. Allele origin: germline. Not counted in ClinVar's aggregate classification.
Comment: This variant is classified as likely benign based on ACMG/AMP sequence variant interpretation guidelines (Richards et al. 2015 PMID: 25741868, with internal and published modifications).